The following is an entry in ClinVar:

ClinVar aggregate classification (germline): Conflicting classifications of pathogenicity. Review status: criteria provided, conflicting classifications (1 of 4 stars). 4 submissions from 4 submitters: Uncertain significance (3); Likely benign (1). Last evaluated 2024-12-20.

Conditions:
Naxos disease (NXD). Also called: KERATOSIS PALMOPLANTARIS WITH ARRHYTHMOGENIC CARDIOMYOPATHY; MAL DE NAXOS; PALMOPLANTAR KERATODERMA WITH ARRHYTHMOGENIC RIGHT VENTRICULAR CARDIOMYOPATHY AND WOOLLY HAIR; WOOLLY HAIR, PALMOPLANTAR KERATODERMA, AND CARDIAC ABNORMALITIES; CARDIOMYOPATHY, ARRHYTHMOGENIC RIGHT VENTRICULAR, WITH SKIN, HAIR, AND NAIL ABNORMALITIES. Identifiers: Orphanet 34217, MedGen C1832600, MONDO:0011017, OMIM 601214.
Arrhythmogenic right ventricular dysplasia 12. Also called: ARRHYTHMOGENIC RIGHT VENTRICULAR DYSPLASIA, FAMILIAL, 12. Identifiers: MedGen C1969081, MONDO:0012684, OMIM 611528.
Cardiovascular phenotype. Identifiers: MedGen CN230736.

Allele frequency attached by ClinVar (database versions not stated): ExAC 0.00003; gnomAD exomes 0.00003 and 0.00007; TOPMed 0.00003; gnomAD 0.00004 and 0.00005.
gnomAD v4.1: 106 of 1,613,004 alleles (0.0066%); highest among the groups gnomAD compares: Non-Finnish European, 0.0086%; no homozygotes.

Submissions (4):

Labcorp Genetics (formerly Invitae), Labcorp
Classification: Uncertain significance for Arrhythmogenic right ventricular dysplasia 12; Naxos disease. Last evaluated: 2024-12-20. Review status: criteria provided, single submitter. Criteria: Invitae Variant Classification Sherloc (09022015). Collection method: clinical testing. Allele origin: germline.
Comment: This sequence change replaces proline, which is neutral and non-polar, with serine, which is neutral and polar, at codon 710 of the JUP protein (p.Pro710Ser). This variant is present in population databases (rs782693565, gnomAD 0.005%). This variant has not been reported in the literature in individuals affected with JUP-related conditions. ClinVar contains an entry for this variant (Variation ID: 468749). An algorithm developed to predict the effect of missense changes on protein structure and function (PolyPhen-2) suggests that this variant is likely to be disruptive. In summary, the available evidence is currently insufficient to determine the role of this variant in disease. Therefore, it has been classified as a Variant of Uncertain Significance.

Ambry Genetics
Classification: Likely benign for Cardiovascular phenotype. Last evaluated: 2024-06-27. Review status: criteria provided, single submitter. Criteria: Ambry Variant Classification Scheme 2023. Collection method: clinical testing. Allele origin: germline.

Fulgent Genetics
Classification: Uncertain significance for Naxos disease; Arrhythmogenic right ventricular dysplasia 12. Last evaluated: 2021-07-13. Review status: criteria provided, single submitter. Criteria: ACMG Guidelines, 2015. Collection method: clinical testing. Allele origin: unknown.

GeneDx
Classification: Uncertain significance. Last evaluated: 2019-05-21. Review status: criteria provided, single submitter. Criteria: GeneDx Variant Classification Process June 2021. Collection method: clinical testing. Allele origin: germline. Affected: yes.
Comment: Has not been previously published as pathogenic or benign to our knowledge; Reported in ClinVar as a variant of uncertain significance (ClinVar Variant ID# 468749; Landrum et al., 2016); In silico analysis, which includes protein predictors and evolutionary conservation, supports that this variant does not alter protein structure/function

NM_002230.4(JUP):c.2128C>T (p.Pro710Ser)

Gene: JUP (junction plakoglobin; minus strand). Cytogenetic location: 17q21.2.
Variant type: single nucleotide variant.
Coding change: c.2128C>T on transcript NM_002230.4 (MANE Select); coding-DNA position 2128, C replaced by T.
Protein change: p.Pro710Ser; replaces proline 710 with serine.
Molecular consequence: missense variant.
Genome position (GRCh38, 1-based): chr17:41,755,854, G>A on the plus strand (C>T on the coding strand, the complement: JUP is on the minus strand). VCF-style: chr17-41755854-G-A. GRCh37 (hg19) VCF-style: chr17-39912106-G-A.
Other names: c.2128C>T, p.Pro710Ser (NM_001352773.2, NM_001352774.2, NM_001352775.2 and 3 more transcripts); short protein forms P710S.
Identifiers: ClinVar variation 468749 (VCV000468749.12), dbSNP rs782693565, ClinGen allele CA8565002.
Genomic context (GRCh38, chr17:41,755,854, plus strand): 5'-TGTAGGTGTCGATGGGGTAGTCTCCATCCATGTCCATGTGCATCTCCAGCGGGTCAAGGG[G>A]CACATCGCTGGAGTACATGGGGCGGTAGGTGGCATCCATGTCTGGGGACAAAAAGTGGGG-3'
Protein context (NP_002221.1, residues 700-720): TYRPMYSSDV[Pro710Ser]LDPLEMHMDM